The following is an entry in ClinVar:

NM_000064.4(C3):c.4907A>C (p.Glu1636Ala)

Gene: C3 (complement C3; minus strand). Cytogenetic location: 19p13.3.
Variant type: single nucleotide variant.
Coding change: c.4907A>C on transcript NM_000064.4 (MANE Select); coding-DNA position 4907, A replaced by C.
Protein change: p.Glu1636Ala; replaces glutamic acid 1636 with alanine.
Molecular consequence: missense variant.
Genome position (GRCh38, 1-based): chr19:6,677,967, T>G on the plus strand (A>C on the coding strand, the complement: C3 is on the minus strand). VCF-style: chr19-6677967-T-G. GRCh37 (hg19) VCF-style: chr19-6677978-T-G.
Other names: short protein forms E1636A.
Identifiers: ClinVar variation 2809997 (VCV002809997.3), dbSNP rs2512223846, ClinGen allele CA403610487.

ClinVar aggregate classification (germline): Uncertain significance (1 of 4 stars; one submission).

Submission:

Labcorp Genetics (formerly Invitae), Labcorp
Classification: Uncertain significance. Last evaluated: 2022-10-27. Review status: criteria provided, single submitter. Criteria: Invitae Variant Classification Sherloc (09022015). Collection method: clinical testing. Allele origin: germline.
Comment: In summary, the available evidence is currently insufficient to determine the role of this variant in disease. Therefore, it has been classified as a Variant of Uncertain Significance. Advanced modeling of protein sequence and biophysical properties (such as structural, functional, and spatial information, amino acid conservation, physicochemical variation, residue mobility, and thermodynamic stability) performed at Invitae indicates that this missense variant is not expected to disrupt C3 protein function. This variant has not been reported in the literature in individuals affected with C3-related conditions. This variant is not present in population databases (gnomAD no frequency). This sequence change replaces glutamic acid, which is acidic and polar, with alanine, which is neutral and non-polar, at codon 1636 of the C3 protein (p.Glu1636Ala).